The following is an entry in ClinVar:

ClinVar aggregate classification (germline): Uncertain significance (1 of 4 stars; one submission).

Allele frequency attached by ClinVar (database versions not stated): ExAC 0.00001; gnomAD exomes 0.00001.
gnomAD v4.1: 3 of 1,613,266 alleles (0.00019%); highest among the groups gnomAD compares: Admixed American, 0.0033%; no homozygotes.

Submission:

Labcorp Genetics (formerly Invitae), Labcorp
Classification: Uncertain significance. Last evaluated: 2025-11-10. Review status: criteria provided, single submitter. Criteria: Invitae Variant Classification Sherloc (09022015). Collection method: clinical testing. Allele origin: germline.
Comment: This sequence change replaces valine, which is neutral and non-polar, with methionine, which is neutral and non-polar, at codon 15 of the ELOVL4 protein (p.Val15Met). This variant is present in population databases (rs757911063, gnomAD 0.006%). This variant has not been reported in the literature in individuals affected with ELOVL4-related conditions. ClinVar contains an entry for this variant (Variation ID: 2849941). An algorithm developed to predict the effect of missense changes on protein structure and function outputs the following: PolyPhen-2: "Benign". The methionine amino acid residue is found in multiple mammalian species, which suggests that this missense change does not adversely affect protein function. In summary, the available evidence is currently insufficient to determine the role of this variant in disease. Therefore, it has been classified as a Variant of Uncertain Significance.

NM_022726.4(ELOVL4):c.43G>A (p.Val15Met)

Gene: ELOVL4 (ELOVL fatty acid elongase 4; minus strand). Cytogenetic location: 6q14.1.
Variant type: single nucleotide variant.
Coding change: c.43G>A on transcript NM_022726.4 (MANE Select); coding-DNA position 43, G replaced by A.
Protein change: p.Val15Met; replaces valine 15 with methionine.
Molecular consequence: missense variant.
Genome position (GRCh38, 1-based): chr6:79,947,237, C>T on the plus strand (G>A on the coding strand, the complement: ELOVL4 is on the minus strand). VCF-style: chr6-79947237-C-T. GRCh37 (hg19) VCF-style: chr6-80656954-C-T.
Other names: short protein forms V15M.
Identifiers: ClinVar variation 2849941 (VCV002849941.3), dbSNP rs757911063, ClinGen allele CA3901643.